The following is an entry in ClinVar:

NM_001031710.3(KLHL7):c.785T>C (p.Met262Thr)

Gene: KLHL7 (kelch like family member 7; plus strand). Cytogenetic location: 7p15.3.
Variant type: single nucleotide variant.
Coding change: c.785T>C on transcript NM_001031710.3 (MANE Select); coding-DNA position 785, T replaced by C.
Protein change: p.Met262Thr; replaces methionine 262 with threonine.
Molecular consequence: missense variant. On other transcripts: non-coding transcript variant (1).
Genome position (GRCh38, 1-based): chr7:23,144,017, T>C. VCF-style: chr7-23144017-T-C. GRCh37 (hg19) VCF-style: chr7-23183636-T-C.
Other names: c.641T>C, p.Met214Thr (NM_018846.5); short protein forms M214T, M262T.
Identifiers: ClinVar variation 947910 (VCV000947910.10), dbSNP rs1279215717, ClinGen allele CA366978088.

ClinVar aggregate classification (germline): Uncertain significance. Review status: criteria provided, multiple submitters, no conflicts (2 of 4 stars). 2 submissions from 2 submitters: Uncertain significance (2). Last evaluated 2025-03-31.

Allele frequency attached by ClinVar (database versions not stated): gnomAD exomes below 0.00001; gnomAD 0.00001; TOPMed 0.00003.
gnomAD v4.1: 4 of 1,613,224 alleles (0.00025%); highest among the groups gnomAD compares: Admixed American, 0.0033%; no homozygotes.

Submissions (2):

Labcorp Genetics (formerly Invitae), Labcorp
Classification: Uncertain significance. Last evaluated: 2025-03-31. Review status: criteria provided, single submitter. Criteria: Invitae Variant Classification Sherloc (09022015). Collection method: clinical testing. Allele origin: germline.
Comment: This sequence change replaces methionine, which is neutral and non-polar, with threonine, which is neutral and polar, at codon 262 of the KLHL7 protein (p.Met262Thr). This variant is not present in population databases (gnomAD no frequency). This variant has not been reported in the literature in individuals affected with KLHL7-related conditions. ClinVar contains an entry for this variant (Variation ID: 947910). An algorithm developed to predict the effect of missense changes on protein structure and function (PolyPhen-2) suggests that this variant is likely to be tolerated. In summary, the available evidence is currently insufficient to determine the role of this variant in disease. Therefore, it has been classified as a Variant of Uncertain Significance.

Blueprint Genetics
Classification: Uncertain significance. Last evaluated: 2019-09-05. Review status: criteria provided, single submitter. Criteria: ACMG Guidelines, 2015. Collection method: clinical testing. Allele origin: germline.